The following is an entry in ClinVar:

NM_001080449.3(DNA2):c.932G>A (p.Arg311His)

Gene: DNA2 (DNA replication helicase/nuclease 2; minus strand). Cytogenetic location: 10q21.3.
Variant type: single nucleotide variant.
Coding change: c.932G>A on transcript NM_001080449.3 (MANE Select); coding-DNA position 932, G replaced by A.
Protein change: p.Arg311His; replaces arginine 311 with histidine.
Molecular consequence: missense variant. On other transcripts: non-coding transcript variant (1).
Genome position (GRCh38, 1-based): chr10:68,450,035, C>T on the plus strand (G>A on the coding strand, the complement: DNA2 is on the minus strand). VCF-style: chr10-68450035-C-T. GRCh37 (hg19) VCF-style: chr10-70209792-C-T.
Other names: c.932G>A (NM_001080449.2); short protein forms R311H.
Identifiers: ClinVar variation 1509010 (VCV001509010.7), dbSNP rs191433666, ClinGen allele CA5525183.

ClinVar aggregate classification (germline): Uncertain significance. Review status: criteria provided, single submitter (1 of 4 stars). 2 submissions from 2 submitters: Uncertain significance (1). 1 of the submissions does not count toward it. Last evaluated 2026-01-31.

Conditions:
DNA2-related disorder. Also called: DNA2-related condition.

Allele frequency attached by ClinVar (database versions not stated): ESP Exome Variant Server 0.00008; gnomAD exomes 0.00008; gnomAD 0.00011 and 0.00013; ExAC 0.00016; TOPMed 0.00020; 1000 Genomes Project 30x 0.00031; 1000 Genomes Project 0.00040.
gnomAD v4.1: 75 of 1,571,940 alleles (0.0048%); highest among the groups gnomAD compares: Admixed American, 0.042%; no homozygotes.

Submissions (2):

Labcorp Genetics (formerly Invitae), Labcorp
Classification: Uncertain significance. Last evaluated: 2026-01-31. Review status: criteria provided, single submitter. Criteria: Invitae Variant Classification Sherloc (09022015). Collection method: clinical testing. Allele origin: germline.
Comment: This sequence change replaces arginine, which is basic and polar, with histidine, which is basic and polar, at codon 311 of the DNA2 protein (p.Arg311His). This variant is present in population databases (rs191433666, gnomAD 0.03%). This variant has not been reported in the literature in individuals affected with DNA2-related conditions. ClinVar contains an entry for this variant (Variation ID: 1509010). An algorithm developed to predict the effect of missense changes on protein structure and function outputs the following: PolyPhen-2: "Benign". The histidine amino acid residue is found in multiple mammalian species, which suggests that this missense change does not adversely affect protein function. In summary, the available evidence is currently insufficient to determine the role of this variant in disease. Therefore, it has been classified as a Variant of Uncertain Significance.

PreventionGenetics, part of Exact Sciences
Classification: Uncertain significance for DNA2-related condition. Last evaluated: 2024-09-23. Review status: no assertion criteria provided. Collection method: clinical testing. Allele origin: germline. Not counted in ClinVar's aggregate classification.
Comment: The DNA2 c.932G>A variant is predicted to result in the amino acid substitution p.Arg311His. To our knowledge, this variant has not been reported in the literature. This variant is reported in 0.037% of alleles in individuals of Latino descent in gnomAD. At this time, the clinical significance of this variant is uncertain due to the absence of conclusive functional and genetic evidence.